The following is an entry in ClinVar:

ClinVar aggregate classification (germline): Likely benign (1 of 4 stars; one submission).

Allele frequency attached by ClinVar (database versions not stated): gnomAD exomes below 0.00001; ExAC 0.00003.
gnomAD v4.1: 1 of 1,593,702 alleles (0.000063%); highest among the groups gnomAD compares: Non-Finnish European, 0.000085%; no homozygotes.

Submission:

CeGaT Center for Human Genetics Tuebingen
Classification: Likely benign. Last evaluated: 2023-03-01. Review status: criteria provided, single submitter. Criteria: CeGaT Center For Human Genetics Tuebingen Variant Classification Criteria Version 2. Collection method: clinical testing. Allele origin: germline. Affected: yes. Observed: 2 variant alleles.
Comment: NACC1: BP4, BP7

NM_052876.4(NACC1):c.735G>A (p.Gly245=)

Gene: NACC1 (nucleus accumbens associated 1; plus strand). Cytogenetic location: 19p13.13.
Variant type: single nucleotide variant.
Coding change: c.735G>A on transcript NM_052876.4 (MANE Select); coding-DNA position 735, G replaced by A.
Protein change: p.Gly245=; no amino-acid change (glycine 245 retained).
Molecular consequence: synonymous variant.
Genome position (GRCh38, 1-based): chr19:13,135,942, G>A. VCF-style: chr19-13135942-G-A. GRCh37 (hg19) VCF-style: chr19-13246756-G-A.
Identifiers: ClinVar variation 2649372 (VCV002649372.24), dbSNP rs763554262, ClinGen allele CA9238314.